The following is an entry in ClinVar:

ClinVar aggregate classification (germline): Uncertain significance. Review status: criteria provided, multiple submitters, no conflicts (2 of 4 stars). 2 submissions from 2 submitters: Uncertain significance (2). Last evaluated 2024-07-16.

Conditions:
Hypertrophic cardiomyopathy. Also called: HYPERTROPHIC MYOCARDIOPATHY. Identifiers: Orphanet 217569, MedGen C0007194, MeSH D002312, MONDO:0005045, HP:0001639.
Cardiomyopathy (CMYO). Also called: Cardiomyopathies. Identifiers: Orphanet 167848, MedGen C0878544, MONDO:0004994, HP:0001638. Inheritance: Various modes of inheritance.

gnomAD v4.1: 2 of 1,614,144 alleles (0.00012%); highest among the groups gnomAD compares: South Asian, 0.0022%; no homozygotes.

Submissions (2):

Labcorp Genetics (formerly Invitae), Labcorp
Classification: Uncertain significance for Hypertrophic cardiomyopathy. Last evaluated: 2024-07-16. Review status: criteria provided, single submitter. Criteria: Invitae Variant Classification Sherloc (09022015). Collection method: clinical testing. Allele origin: germline.
Comment: This sequence change replaces arginine, which is basic and polar, with glycine, which is neutral and non-polar, at codon 98 of the TNNI3 protein (p.Arg98Gly). This variant is not present in population databases (gnomAD no frequency). This variant has not been reported in the literature in individuals affected with TNNI3-related conditions. ClinVar contains an entry for this variant (Variation ID: 1331910). An algorithm developed to predict the effect of missense changes on protein structure and function (PolyPhen-2) suggests that this variant is likely to be disruptive. In summary, the available evidence is currently insufficient to determine the role of this variant in disease. Therefore, it has been classified as a Variant of Uncertain Significance.

Color Diagnostics, LLC DBA Color Health
Classification: Uncertain significance for Cardiomyopathy. Last evaluated: 2024-03-07. Review status: criteria provided, single submitter. Criteria: ACMG Guidelines, 2015. Collection method: clinical testing. Allele origin: germline.
Comment: This missense variant replaces arginine with glycine at codon 98 of the TNNI3 protein. Computational prediction suggests that this variant may have deleterious impact on protein structure and function (internally defined REVEL score threshold >= 0.7, PMID: 27666373). To our knowledge, functional studies have not been reported for this variant. This variant has not been reported in individuals affected with cardiovascular disorders in the literature. This variant has not been identified in the general population by the Genome Aggregation Database (gnomAD). The available evidence is insufficient to determine the role of this variant in disease conclusively. Therefore, this variant is classified as a Variant of Uncertain Significance.

NM_000363.5(TNNI3):c.292C>G (p.Arg98Gly)

Gene: TNNI3 (troponin I3, cardiac type; minus strand). Cytogenetic location: 19q13.42.
Variant type: single nucleotide variant.
Coding change: c.292C>G on transcript NM_000363.5 (MANE Select); coding-DNA position 292, C replaced by G.
Protein change: p.Arg98Gly; replaces arginine 98 with glycine.
Molecular consequence: missense variant.
Genome position (GRCh38, 1-based): chr19:55,154,821, G>C on the plus strand (C>G on the coding strand, the complement: TNNI3 is on the minus strand). VCF-style: chr19-55154821-G-C. GRCh37 (hg19) VCF-style: chr19-55666189-G-C.
Other names: short protein forms R98G.
Identifiers: ClinVar variation 1331910 (VCV001331910.5), dbSNP rs730881068, ClinGen allele CA051111.